The following is an entry in ClinVar:

ClinVar aggregate classification (germline): Uncertain significance. Review status: criteria provided, multiple submitters, no conflicts (2 of 4 stars). 2 submissions from 2 submitters: Uncertain significance (2). Last evaluated 2026-05-24.

Conditions:
Gastrointestinal stromal tumor. Also called: Gastrointestinal stromal tumor, somatic; Gastrointestinal stroma tumor. Identifiers: Orphanet 44890, MedGen C0238198, MeSH D046152, MONDO:0011719, OMIM 606764, HP:0100723.
Hereditary cancer-predisposing syndrome. Also called: Tumor predisposition; Neoplastic Syndromes, Hereditary; Hereditary Cancer Syndrome; Hereditary neoplastic syndrome. Identifiers: Orphanet 140162, MedGen C0027672, MeSH D009386, MONDO:0015356.

Submissions (2):

Ambry Genetics
Classification: Uncertain significance for Hereditary cancer-predisposing syndrome. Last evaluated: 2026-05-24. Review status: criteria provided, single submitter. Criteria: Ambry Variant Classification Scheme 2023. Collection method: clinical testing. Allele origin: germline.
Comment: The p.P344S variant (also known as c.1030C>T), located in coding exon 6 of the PDGFRA gene, results from a C to T substitution at nucleotide position 1030. The proline at codon 344 is replaced by serine, an amino acid with similar properties. This amino acid position is conserved. In addition, this alteration is predicted to be tolerated by in silico analysis. Based on the available evidence, the clinical significance of this variant remains unclear.

Labcorp Genetics (formerly Invitae), Labcorp
Classification: Uncertain significance for Gastrointestinal stromal tumor. Last evaluated: 2025-10-20. Review status: criteria provided, single submitter. Criteria: Invitae Variant Classification Sherloc (09022015). Collection method: clinical testing. Allele origin: germline.
Comment: This sequence change replaces proline, which is neutral and non-polar, with serine, which is neutral and polar, at codon 344 of the PDGFRA protein (p.Pro344Ser). This variant is not present in population databases (gnomAD no frequency). This variant has not been reported in the literature in individuals affected with PDGFRA-related conditions. ClinVar contains an entry for this variant (Variation ID: 1509473). Invitae Evidence Modeling of protein sequence and biophysical properties (such as structural, functional, and spatial information, amino acid conservation, physicochemical variation, residue mobility, and thermodynamic stability) indicates that this missense variant is not expected to disrupt PDGFRA protein function with a negative predictive value of 80%. In summary, the available evidence is currently insufficient to determine the role of this variant in disease. Therefore, it has been classified as a Variant of Uncertain Significance.

NM_006206.6(PDGFRA):c.1030C>T (p.Pro344Ser)

Gene: PDGFRA (platelet derived growth factor receptor alpha; plus strand). Cytogenetic location: 4q12.
Variant type: single nucleotide variant.
Coding change: c.1030C>T on transcript NM_006206.6 (MANE Select); coding-DNA position 1030, C replaced by T.
Protein change: p.Pro344Ser; replaces proline 344 with serine.
Molecular consequence: missense variant.
Genome position (GRCh38, 1-based): chr4:54,267,650, C>T. VCF-style: chr4-54267650-C-T. GRCh37 (hg19) VCF-style: chr4-55133817-C-T.
Other names: c.1030C>T (NM_006206.4); c.1030C>T, p.Pro344Ser (NM_001347827.2, NM_001347829.2); c.1105C>T, p.Pro369Ser (NM_001347828.2); c.1069C>T, p.Pro357Ser (NM_001347830.2); short protein forms P357S, P369S, P344S.
Identifiers: ClinVar variation 1509473 (VCV001509473.7), dbSNP rs764140125, ClinGen allele CA356891645.